The following is an entry in ClinVar:

NM_032801.5(JAM3):c.256+1260G>C

Gene: JAM3 (junctional adhesion molecule 3; plus strand). Cytogenetic location: 11q25.
Variant type: single nucleotide variant.
Coding change: c.256+1260G>C on transcript NM_032801.5 (MANE Select); 1260 bases into the intron after coding-DNA position 256, G replaced by C.
Molecular consequence: intron variant.
Genome position (GRCh38, 1-based): chr11:134,142,030, G>C. VCF-style: chr11-134142030-G-C. GRCh37 (hg19) VCF-style: chr11-134011925-G-C.
Other names: c.256+1260G>C (NM_001205329.2).
Identifiers: ClinVar variation 993262 (VCV000993262.3), dbSNP rs2120862502, ClinGen allele CA2499220813.

ClinVar aggregate classification (germline): Likely pathogenic (1 of 4 stars; one submission).

Conditions:
Porencephaly-microcephaly-bilateral congenital cataract syndrome. Identifiers: Orphanet 306547, MedGen C3151000, MONDO:0013394, OMIM 613730.

Submission:

Costain lab, The Hospital for Sick Children
Classification: Likely pathogenic for Porencephaly-microcephaly-bilateral congenital cataract syndrome. Review status: criteria provided, single submitter. Criteria: ACMG Guidelines, 2015. Collection method: clinical testing. Allele origin: paternal. Inheritance: Autosomal recessive inheritance. Affected: yes. Observed: 1 variant allele, 1 heterozygote.
Comment: We classified this variant as likely pathogenic using the following ACMG variant classification criteria: PS3, PM3. This variant was observed in the compound heterozygous state with NM_032801.4: c.410-1G>A (ClinVar SCV001451970).